The following is an entry in ClinVar:

NM_001378609.3(OTOGL):c.2984dup (p.Asn995fs)

Gene: OTOGL (otogelin like; plus strand). Cytogenetic location: 12q21.31.
Variant type: Duplication.
Coding change: c.2984dup on transcript NM_001378609.3 (MANE Select); coding-DNA position 2984, one base duplicated (A; older notation c.2984dupA).
Protein change: p.Asn995fs; shifts the reading frame from asparagine 995.
Molecular consequence: frameshift variant. On other transcripts: intron variant (1).
Genome position (GRCh38, 1-based): chr12:80,296,882, A duplicated; the last of 2 consecutive A bases (chr12:80,296,881-80,296,882); duplicating either gives the same sequence. VCF-style (leftmost placement, unchanged base first): chr12-80296880-C-CA. GRCh37 (hg19) VCF-style: chr12-80690660-C-CA.
Other names: c.2984dup, p.Asn995fs (NM_001378610.3, NM_173591.7); c.2929-5752dup (NM_001368062.3); short protein forms N995fs.
Identifiers: ClinVar variation 4979117 (VCV004979117.1).

ClinVar aggregate classification (germline): Likely pathogenic (1 of 4 stars; one submission).

Conditions:
OTOGL-related disorder. Also called: OTOGL-related condition.

Submission:

PreventionGenetics, part of Exact Sciences
Classification: Likely pathogenic for OTOGL-related condition. Last evaluated: 2024-11-22. Review status: criteria provided, single submitter. Criteria: ACMG Guidelines, 2015. Collection method: clinical testing. Allele origin: germline.
Comment: The OTOGL c.2957dupA variant is predicted to result in a frameshift and premature protein termination (p.Asn986Lysfs*7). To our knowledge, this variant has not been reported in the literature. This variant is reported in 0.0017% of alleles in individuals of European (Non-Finnish) descent in gnomAD. Frameshift variants in OTOGL are expected to be pathogenic. This variant is interpreted as likely pathogenic.